The following is an entry in ClinVar:

NM_000051.4(ATM):c.8585-17G>C

Genes: ATM (ATM serine/threonine kinase; plus strand), C11orf65 (chromosome 11 open reading frame 65; minus strand). Cytogenetic location: 11q22.3.
Variant type: single nucleotide variant.
Coding change: c.8585-17G>C on transcript NM_000051.4 (MANE Select); 17 bases into the intron before coding-DNA position 8585, G replaced by C.
Molecular consequence: intron variant.
Genome position (GRCh38, 1-based): chr11:108,347,262, G>C. VCF-style: chr11-108347262-G-C. GRCh37 (hg19) VCF-style: chr11-108217989-G-C.
Other names: c.8585-17G>C (NM_001351834.2); c.641-38191C>G (NM_001330368.2); c.695-11970C>G (NM_001351110.2).
Identifiers: ClinVar variation 2819015 (VCV002819015.4), dbSNP rs2547459938, ClinGen allele CA2615862217.

ClinVar aggregate classification (germline): Likely benign. Review status: criteria provided, multiple submitters, no conflicts (2 of 4 stars). 2 submissions from 2 submitters: Likely benign (2). Last evaluated 2025-10-27.

Conditions:
Ataxia-telangiectasia syndrome (AT). Also called: LOUIS-BAR SYNDROME; Cerebello-oculocutaneous telangiectasia; Immunodeficiency with ataxia telangiectasia; Ataxia telangiectasia (A-T); Ataxia-telangiectasia, complementation group D; AT, COMPLEMENTATION GROUP C. Identifiers: Orphanet 100, MedGen C0004135, MONDO:0008840, OMIM 208900.
Familial cancer of breast. Also called: BREAST CANCER, FAMILIAL; Hereditary breast cancer; hereditary breast carcinoma. Identifiers: Orphanet 227535, MedGen C0346153, MONDO:0016419, OMIM 114480. Disease mechanism: loss of function.

Allele frequency attached by ClinVar (database versions not stated): gnomAD exomes below 0.00001.
gnomAD v4.1: 1 of 1,558,056 alleles (0.000064%); highest among the groups gnomAD compares: Non-Finnish European, 0.000089%; no homozygotes.

Submissions (2):

Labcorp Genetics (formerly Invitae), Labcorp
Classification: Likely benign for Ataxia-telangiectasia syndrome. Last evaluated: 2025-10-27. Review status: criteria provided, single submitter. Criteria: Invitae Variant Classification Sherloc (09022015). Collection method: clinical testing. Allele origin: germline.

Myriad Genetics, Inc.
Classification: Likely benign for Familial cancer of breast. Last evaluated: 2024-06-20. Review status: criteria provided, single submitter. Criteria: Myriad Autosomal Dominant, Autosomal Recessive and X-Linked Classification Criteria (2023). Collection method: clinical testing. Allele origin: unknown.
Comment: This variant is considered likely benign. This variant is intronic and is not expected to impact mRNA splicing.